The following is an entry in ClinVar:

NM_004006.3(DMD):c.2629G>A (p.Val877Ile)

Gene: DMD (dystrophin; minus strand). Cytogenetic location: Xp21.1.
Variant type: single nucleotide variant.
Coding change: c.2629G>A on transcript NM_004006.3 (MANE Select); coding-DNA position 2629, G replaced by A.
Protein change: p.Val877Ile; replaces valine 877 with isoleucine.
Molecular consequence: missense variant.
Genome position (GRCh38, 1-based): chrX:32,485,093, C>T on the plus strand (G>A on the coding strand, the complement: DMD is on the minus strand). VCF-style: chrX-32485093-C-T. GRCh37 (hg19) VCF-style: chrX-32503210-C-T.
Other names: c.2605G>A, p.Val869Ile (NM_000109.4); c.2617G>A, p.Val873Ile (NM_004009.3); c.2260G>A, p.Val754Ile (NM_004010.3); short protein forms V754I, V877I, V869I, V873I.
Identifiers: ClinVar variation 1037826 (VCV001037826.10), dbSNP rs774459142, ClinGen allele CA10379464.
Genomic context (GRCh38, chrX:32,485,093, plus strand): 5'-GGGCTATGCTTTGAATTTTTAATCGTTCAATTTGAGGTTGAAGATCTGATAGCCGGTTGA[C>T]TTCATCCTGTGCCATAGAGTATGGAAAGTAAGTAACACGTTTACTTTGCATACATTACAT-3'
Protein context (NP_003997.2, residues 867-887): KSQLKICKDE[Val877Ile]NRLSDLQPQI

ClinVar aggregate classification (germline): Uncertain significance. Review status: criteria provided, single submitter (1 of 4 stars). 2 submissions from 2 submitters: Uncertain significance (1). 1 of the submissions does not count toward it. Last evaluated 2024-08-11.

Conditions:
Cardiomyopathy (CMYO). Also called: Cardiomyopathies. Identifiers: Orphanet 167848, MedGen C0878544, MONDO:0004994, HP:0001638. Inheritance: Various modes of inheritance.
Dystrophin deficiency.
Duchenne muscular dystrophy (DMD). Also called: MUSCULAR DYSTROPHY, PSEUDOHYPERTROPHIC PROGRESSIVE, DUCHENNE TYPE; Duchenne Muscular Dystrophy (DMD). Identifiers: Orphanet 98896, MedGen C0013264, MONDO:0010679, OMIM 310200.
Becker muscular dystrophy (BMD). Also called: Becker Muscular Dystrophy (BMD); MUSCULAR DYSTROPHY, PSEUDOHYPERTROPHIC PROGRESSIVE, BECKER TYPE. Identifiers: Orphanet 98895, MedGen C0917713, MONDO:0010311, OMIM 300376.

Allele frequency attached by ClinVar (database versions not stated): ExAC below 0.00001.

Submissions (2):

Labcorp Genetics (formerly Invitae), Labcorp
Classification: Uncertain significance for Duchenne muscular dystrophy. Last evaluated: 2024-08-11. Review status: criteria provided, single submitter. Criteria: Invitae Variant Classification Sherloc (09022015). Collection method: clinical testing. Allele origin: germline.
Comment: This sequence change replaces valine, which is neutral and non-polar, with isoleucine, which is neutral and non-polar, at codon 877 of the DMD protein (p.Val877Ile). This variant is not present in population databases (gnomAD no frequency). This variant has not been reported in the literature in individuals affected with DMD-related conditions. ClinVar contains an entry for this variant (Variation ID: 1037826). Advanced modeling of protein sequence and biophysical properties (such as structural, functional, and spatial information, amino acid conservation, physicochemical variation, residue mobility, and thermodynamic stability) performed at Invitae indicates that this missense variant is not expected to disrupt DMD protein function with a negative predictive value of 95%. In summary, the available evidence is currently insufficient to determine the role of this variant in disease. Therefore, it has been classified as a Variant of Uncertain Significance.

Natera, Inc.
Classification: Uncertain significance for Becker muscular dystrophy; Cardiomyopathy; Duchenne muscular dystrophy; Dystrophin deficiency. Last evaluated: 2018-12-18. Review status: no assertion criteria provided. Collection method: clinical testing. Allele origin: germline. Not counted in ClinVar's aggregate classification.